The following is an entry in ClinVar:

ClinVar aggregate classification (germline): Pathogenic (0 of 4 stars; one submission).

Conditions:
Mucolipidosis type II. Also called: Mucolipidosis 2; ML 2; Inclusion cell disease; Leroy Disease; N-acetylglucosamine 1phosphotransferase deficiency; ML disorder type 2. Identifiers: Orphanet 576, MedGen C2673377, MONDO:0009650, OMIM 252500.

Allele frequency attached by ClinVar (database versions not stated): gnomAD exomes below 0.00001.
gnomAD v4.1: 1 of 1,547,238 alleles (0.000065%); highest among the groups gnomAD compares: Non-Finnish European, 0.000089%; no homozygotes.

Submission:

GeneReviews
Classification: Pathogenic for Mucolipidosis III Alpha/Beta. Last evaluated: 2012-05-10. Review status: no assertion criteria provided. Collection method: curation. Allele origin: unknown.
ClinVar note: Converted during submission from pathologic to Pathogenic.

NM_024312.5(GNPTAB):c.3249+1G>A

Gene: GNPTAB (N-acetylglucosamine-1-phosphate transferase subunits alpha and beta; minus strand). Cytogenetic location: 12q23.2.
Variant type: single nucleotide variant.
Coding change: c.3249+1G>A on transcript NM_024312.5 (MANE Select); the canonical splice donor site of the intron after coding-DNA position 3249, G replaced by A.
Molecular consequence: splice donor variant.
Genome position (GRCh38, 1-based): chr12:101,760,029, C>T on the plus strand (G>A on the coding strand, the complement: GNPTAB is on the minus strand). VCF-style: chr12-101760029-C-T. GRCh37 (hg19) VCF-style: chr12-102153807-C-T.
Other names: AY687932:c.3249+1G>A.
Identifiers: ClinVar variation 38424 (VCV000038424.3), dbSNP rs281865012, ClinGen allele CA343076.
Genomic context (GRCh38, chr12:101,760,029, plus strand): 5'-TAAGTAACACTTGATAAGGATGTACTTTCTGTTGTACATAAAAGTAACCCATTCCACTTA[C>T]CAGGTTGGGATCATAGTAGGATTCCTGAGTTGGTGGAATATTATTTAGCTGCGTGATATC-3'